The following is an entry in ClinVar:

NC_000006.11:g.(65149246_65300115)_(65532716_65596589)del

Gene: EYS (eyes shut homolog; minus strand). Cytogenetic location: 6q12.
Variant type: Deletion.
Identifiers: ClinVar variation 3769012 (VCV003769012.1).

ClinVar aggregate classification (germline): Uncertain significance (1 of 4 stars; one submission).

Submission:

Women's Health and Genetics/Laboratory Corporation of America, LabCorp
Classification: Uncertain significance. Last evaluated: 2025-02-18. Review status: criteria provided, single submitter. Criteria: LabCorp Variant Classification Summary - May 2015. Collection method: clinical testing. Allele origin: germline.
Comment: Variant summary: The variant involves the deletion of exons 20-26 in the EYS gene. A presumed nomenclature of c.(2992+1_2993-1)_(5644+1_5645-1)del has been designated for the purposes of this classification. This Copy Number Variant (CNV) is predicted to result in an in-frame deletion within this gene. No missense variants or in-frame deletions within the deleted region have been classified as pathogenic by our lab or in cited in ClinVar with sufficient supporting evidence to support pathogenicity. The variant allele was found at a frequency of 4.6e-05 in 21694 control chromosomes. The available data on variant occurrences in the general population are insufficient to allow any conclusion about variant significance. To our knowledge, no occurrence of c.(2992+1_2993-1)_(5644+1_5645-1)del in individuals affected with Retinitis Pigmentosa and no experimental evidence demonstrating its impact on protein function have been reported. No submitters have cited clinical-significance assessments for this variant to ClinVar. Based on the evidence outlined above, the variant was classified as uncertain significance.